The following is an entry in ClinVar:

NM_001348323.3(TRIP12):c.5070G>C (p.Met1690Ile)

Gene: TRIP12 (thyroid hormone receptor interactor 12; minus strand). Cytogenetic location: 2q36.3.
Variant type: single nucleotide variant.
Coding change: c.5070G>C on transcript NM_001348323.3 (MANE Select); coding-DNA position 5070, G replaced by C.
Protein change: p.Met1690Ile; replaces methionine 1690 with isoleucine.
Molecular consequence: missense variant.
Genome position (GRCh38, 1-based): chr2:229,785,781, C>G on the plus strand (G>C on the coding strand, the complement: TRIP12 is on the minus strand). VCF-style: chr2-229785781-C-G. GRCh37 (hg19) VCF-style: chr2-230650497-C-G.
Other names: c.4989G>C, p.Met1663Ile (NM_001284214.2, NM_001348315.2); c.4944G>C, p.Met1648Ile (NM_001284215.2, NM_001348316.2); c.4035G>C, p.Met1345Ile (NM_001284216.2); c.4929G>C, p.Met1643Ile (NM_001348317.1, NM_001348318.2); c.5055G>C, p.Met1685Ile (NM_001348319.1, NM_001348320.2); c.5058G>C, p.Met1686Ile (NM_001348321.1); c.5070G>C, p.Met1690Ile (NM_001348322.1, NM_001348324.2, NM_001348325.2 and 2 more transcripts); c.5073G>C, p.Met1691Ile (NM_001348328.1, NM_001348329.2, NM_001348330.2); and 4 more; short protein forms M1656I, M1664I, M1616I, M1643I, M1648I, M1663I, M1691I, M1615I.
Identifiers: ClinVar variation 4719629 (VCV004719629.1).

ClinVar aggregate classification (germline): Uncertain significance (1 of 4 stars; one submission).

Submission:

Labcorp Genetics (formerly Invitae), Labcorp
Classification: Uncertain significance. Last evaluated: 2025-06-13. Review status: criteria provided, single submitter. Criteria: Invitae Variant Classification Sherloc (09022015). Collection method: clinical testing. Allele origin: germline.
Comment: This sequence change replaces methionine, which is neutral and non-polar, with isoleucine, which is neutral and non-polar, at codon 1615 of the TRIP12 protein (p.Met1615Ile). This variant is present in population databases (no rsID available, gnomAD 0.002%). This variant has not been reported in the literature in individuals affected with TRIP12-related conditions. An algorithm developed to predict the effect of missense changes on protein structure and function (PolyPhen-2) suggests that this variant is likely to be tolerated. In summary, the available evidence is currently insufficient to determine the role of this variant in disease. Therefore, it has been classified as a Variant of Uncertain Significance.